The following is an entry in ClinVar:

NM_001197104.2(KMT2A):c.7093A>G (p.Lys2365Glu)

Gene: KMT2A (lysine methyltransferase 2A; plus strand). Cytogenetic location: 11q23.3.
Variant type: single nucleotide variant.
Coding change: c.7093A>G on transcript NM_001197104.2 (MANE Select); coding-DNA position 7093, A replaced by G.
Protein change: p.Lys2365Glu; replaces lysine 2365 with glutamic acid.
Molecular consequence: missense variant.
Genome position (GRCh38, 1-based): chr11:118,502,985, A>G. VCF-style: chr11-118502985-A-G. GRCh37 (hg19) VCF-style: chr11-118373700-A-G.
Other names: c.7183A>G, p.Lys2395Glu (NM_001412597.1); c.7084A>G, p.Lys2362Glu (NM_005933.4); short protein forms K2365E, K2362E, K2395E.
Identifiers: ClinVar variation 2896676 (VCV002896676.3), dbSNP rs1414055420, ClinGen allele CA382804273.

ClinVar aggregate classification (germline): Uncertain significance (1 of 4 stars; one submission).

Allele frequency attached by ClinVar (database versions not stated): TOPMed below 0.00001; gnomAD exomes 0.00001.
gnomAD v4.1: 5 of 1,614,100 alleles (0.00031%); highest among the groups gnomAD compares: Non-Finnish European, 0.00042%; no homozygotes.

Submission:

Labcorp Genetics (formerly Invitae), Labcorp
Classification: Uncertain significance. Last evaluated: 2025-09-07. Review status: criteria provided, single submitter. Criteria: Invitae Variant Classification Sherloc (09022015). Collection method: clinical testing. Allele origin: germline.
Comment: This sequence change replaces lysine, which is basic and polar, with glutamic acid, which is acidic and polar, at codon 2365 of the KMT2A protein (p.Lys2365Glu). This variant is not present in population databases (gnomAD no frequency). This variant has not been reported in the literature in individuals affected with KMT2A-related conditions. ClinVar contains an entry for this variant (Variation ID: 2896676). Invitae Evidence Modeling of protein sequence and biophysical properties (such as structural, functional, and spatial information, amino acid conservation, physicochemical variation, residue mobility, and thermodynamic stability) indicates that this missense variant is not expected to disrupt KMT2A protein function with a negative predictive value of 95%. In summary, the available evidence is currently insufficient to determine the role of this variant in disease. Therefore, it has been classified as a Variant of Uncertain Significance.